The following is an entry in ClinVar:

NM_001042492.3(NF1):c.7446_7457+6del

Gene: NF1 (neurofibromin 1; plus strand). Cytogenetic location: 17q11.2.
Variant type: Deletion.
Coding change: c.7446_7457+6del on transcript NM_001042492.3 (MANE Select); coding-DNA position 7446 through 6 bases into the intron after coding-DNA position 7457, 18 bases deleted (CCCTTCCTATAGGTAAGT).
Molecular consequence: splice donor variant.
Genome position (GRCh38, 1-based): chr17:31,350,307-31,350,324, CCCTTCCTATAGGTAAGT deleted. VCF-style (leftmost placement, unchanged base first): chr17-31350306-ACCCTTCCTATAGGTAAGT-A. GRCh37 (hg19) VCF-style: chr17-29677324-ACCCTTCCTATAGGTAAGT-A.
Other names: c.7383_7394+6del (NM_000267.4).
Identifiers: ClinVar variation 1076517 (VCV001076517.5), dbSNP rs2151574649, ClinGen allele CA2499224227.

ClinVar aggregate classification (germline): Pathogenic (1 of 4 stars; one submission).

Conditions:
Neurofibromatosis, type 1 (NF1). Also called: VON RECKLINGHAUSEN DISEASE; Peripheral type neurofibromatosis; NEUROFIBROMATOSIS, TYPE I, SOMATIC; Neurofibromatosis, type I. Identifiers: Orphanet 636, MedGen C0027831, MONDO:0018975, OMIM 162200. Disease mechanism: loss of function.

Submission:

Labcorp Genetics (formerly Invitae), Labcorp
Classification: Pathogenic for Neurofibromatosis, type 1. Last evaluated: 2020-01-23. Review status: criteria provided, single submitter. Criteria: Invitae Variant Classification Sherloc (09022015). Collection method: clinical testing. Allele origin: germline.
Comment: This variant results in the deletion of part of exon 49 (c.7383_7394+6del) of the NF1 gene. It is expected to disrupt RNA splicing and likely results in an absent or disrupted protein product. This variant is not present in population databases (ExAC no frequency). This variant has been observed in individual(s) with clinical features of neurofibromatosis type 1 (Invitae). Algorithms developed to predict the effect of sequence changes on RNA splicing suggest that this variant may disrupt the consensus splice site, but this prediction has not been confirmed by published transcriptional studies. Loss-of-function variants in NF1 are known to be pathogenic (PMID: 10712197, 23913538). For these reasons, this variant has been classified as Pathogenic.

Literature cited by the submitters: PubMed 10712197; PubMed 23913538.